The following is an entry in ClinVar:

NM_003126.4(SPTA1):c.122G>A (p.Arg41Gln)

Gene: SPTA1 (spectrin alpha, erythrocytic 1; minus strand). Cytogenetic location: 1q23.1.
Variant type: single nucleotide variant.
Coding change: c.122G>A on transcript NM_003126.4 (MANE Select); coding-DNA position 122, G replaced by A.
Protein change: p.Arg41Gln; replaces arginine 41 with glutamine.
Molecular consequence: missense variant.
Genome position (GRCh38, 1-based): chr1:158,685,250, C>T on the plus strand (G>A on the coding strand, the complement: SPTA1 is on the minus strand). VCF-style: chr1-158685250-C-T. GRCh37 (hg19) VCF-style: chr1-158655040-C-T.
Other names: short protein forms R41Q.
Identifiers: ClinVar variation 1163173 (VCV001163173.8), dbSNP rs778903567, ClinGen allele CA31272556.

ClinVar aggregate classification (germline): Conflicting classifications of pathogenicity. Review status: criteria provided, conflicting classifications (1 of 4 stars). 4 submissions from 4 submitters: Uncertain significance (3); Likely benign (1). Last evaluated 2025-08-14.

Allele frequency attached by ClinVar (database versions not stated): gnomAD 0.00006 and 0.00009; TOPMed 0.00006.
gnomAD v4.1: 123 of 1,613,532 alleles (0.0076%); highest among the groups gnomAD compares: African/African-American, 0.023%; no homozygotes.

Submissions (4):

Labcorp Genetics (formerly Invitae), Labcorp
Classification: Likely benign. Last evaluated: 2025-08-14. Review status: criteria provided, single submitter. Criteria: Invitae Variant Classification Sherloc (09022015). Collection method: clinical testing. Allele origin: germline.

Revvity Omics, Revvity
Classification: Uncertain significance. Last evaluated: 2024-08-30. Review status: criteria provided, single submitter. Criteria: ACMG Guidelines, 2015. Collection method: clinical testing. Allele origin: germline.

GeneDx
Classification: Uncertain significance. Last evaluated: 2024-05-02. Review status: criteria provided, single submitter. Criteria: GeneDx Variant Classification Process June 2021. Collection method: clinical testing. Allele origin: germline. Affected: yes.
Comment: In silico analysis indicates that this missense variant does not alter protein structure/function; Has not been previously published as pathogenic or benign to our knowledge

Mayo Clinic Laboratories, Mayo Clinic
Classification: Uncertain significance. Last evaluated: 2021-02-22. Review status: criteria provided, single submitter. Criteria: ACMG Guidelines, 2015. Collection method: clinical testing. Allele origin: germline. Observed: 1 variant allele.